The following is an entry in ClinVar:

ClinVar aggregate classification (germline): Uncertain significance (1 of 4 stars; one submission).

Conditions:
Primary dilated cardiomyopathy (DCM). Also called: Dilated Cardiomyopathy. Identifiers: Orphanet 217604, MedGen C0007193, MeSH D002311, MONDO:0005021, HP:0001644. Inheritance: Various modes of inheritance.

Submission:

Cardiovascular Biomedical Research Unit, Royal Brompton & Harefield NHS Foundation Trust
Classification: Uncertain significance for Primary dilated cardiomyopathy. Last evaluated: 2014-10-08. Review status: criteria provided, single submitter. Criteria: Roberts et al. 2015. Collection method: research. Allele origin: germline. Inheritance: Autosomal dominant inheritance. Affected: no. Observed: 1 variant allele. Study: Healthy Volunteers.
Comment: In the seven cohorts assessed, TTNtv were found in 14% of ambulant DCM, 22% end-stage or familial DCM, and 2% controls. Heterozygous nonsense, frameshift and canonical splice-disrupting variants found in constitutive and other highly utilised exons are highly likely to be pathogenic when identified in individuals with phenotypically confirmed DCM. TTNtv found incidentally in healthy individuals (excluding familial assessment of DCM relatives) are thought to have low penetrance, particularly when identified in exons that are not constitutively expressed in the heart.

NM_001267550.2(TTN):c.45391del (p.Ile15131fs)

Genes: TTN (titin; minus strand), LOC126806427 (BRD4-independent group 4 enhancer GRCh37_chr2:179485777-179486976; plus strand). Cytogenetic location: 2q31.2.
Variant type: Deletion.
Coding change: c.45391del on transcript NM_001267550.2 (MANE Select); coding-DNA position 45391, one base deleted (A; older notation c.45391delA).
Protein change: p.Ile15131fs; shifts the reading frame from isoleucine 15131.
Molecular consequence: frameshift variant.
Genome position (GRCh38, 1-based): chr2:178,621,327, T deleted on the plus strand (A on the coding strand, the reverse complement: TTN is on the minus strand); the first of 3 consecutive T bases (chr2:178,621,327-178,621,329); deleting any one gives the same sequence. VCF-style (leftmost placement, unchanged base first): chr2-178621326-AT-A. GRCh37 (hg19) VCF-style: chr2-179486053-AT-A.
Other names: c.40468del, p.Ile13490fs (NM_001256850.1); c.18196del, p.Ile6066fs (NM_003319.4); c.37687del, p.Ile12563fs (NM_133378.4); c.18571del, p.Ile6191fs (NM_133432.3); c.18772del, p.Ile6258fs (NM_133437.4); c.45391delA (LRG_391t1); short protein forms I13490fs, I6066fs, I15131fs, I6191fs, I12563fs, I6258fs.
Identifiers: ClinVar variation 223337 (VCV000223337.1), dbSNP rs869312091, ClinGen allele CA353228.